The following is an entry in ClinVar:

NM_175875.5(SIX5):c.804-5G>A

Genes: SIX5 (SIX homeobox 5; minus strand), LOC107075317 (origin of replication in DMPK trinucleotide repeat region; plus strand). Cytogenetic location: 19q13.32.
Variant type: single nucleotide variant.
Coding change: c.804-5G>A on transcript NM_175875.5 (MANE Select); 5 bases into the intron before coding-DNA position 804, G replaced by A.
Molecular consequence: intron variant.
Genome position (GRCh38, 1-based): chr19:45,767,160, C>T on the plus strand (G>A on the coding strand, the complement: SIX5 is on the minus strand). VCF-style: chr19-45767160-C-T. GRCh37 (hg19) VCF-style: chr19-46270418-C-T.
Identifiers: ClinVar variation 3764624 (VCV003764624.1).

ClinVar aggregate classification (germline): Uncertain significance (1 of 4 stars; one submission).

Conditions:
Branchiootorenal syndrome 2 (BOR2). Identifiers: Orphanet 107, MedGen C1970479, MONDO:0012575, OMIM 610896.

Submission:

Daryl Scott Lab, Baylor College of Medicine
Classification: Uncertain significance for Branchiootorenal syndrome 2. Last evaluated: 2024-01-01. Review status: criteria provided, single submitter. Criteria: ACMG Guidelines, 2015. Collection method: clinical testing. Allele origin: maternal. Observed: 1 heterozygote.
Comment: PM2, BP4